The following is an entry in ClinVar:

NM_001166114.2(PNPLA6):c.3056_3074del (p.Ala1019fs)

Gene: PNPLA6 (patatin like domain 6, lysophospholipase; plus strand). Cytogenetic location: 19p13.2.
Variant type: Deletion.
Coding change: c.3056_3074del on transcript NM_001166114.2 (MANE Select); coding-DNA positions 3056 to 3074, 19 bases deleted (CCAGCCGCACGAAGCAGCG).
Protein change: p.Ala1019fs; shifts the reading frame from alanine 1019.
Molecular consequence: frameshift variant.
Genome position (GRCh38, 1-based): chr19:7,555,726-7,555,744, CCAGCCGCACGAAGCAGCG deleted; deleting any 19 consecutive bases within chr19:7,555,720-7,555,744 gives the same sequence; the c. name uses the placement nearest the transcript's 3' end. VCF-style (leftmost placement, unchanged base first): chr19-7555719-CGCAGCGCCAGCCGCACGAA-C. GRCh37 (hg19) VCF-style: chr19-7620605-CGCAGCGCCAGCCGCACGAA-C.
Other names: c.3086_3104del, p.Ala1029fs (NM_001166111.2); c.2861_2879del, p.Ala954fs (NM_001166112.2); c.2942_2960del, p.Ala981fs (NM_001166113.1, NM_006702.5); short protein forms A1019fs, A1029fs, A954fs, A981fs.
Identifiers: ClinVar variation 5016785 (VCV005016785.1).
Genomic context (GRCh38, chr19:7,555,719, plus strand): 5'-GTGGACCTGGTGGGCGGCACGTCCATTGGCTCTTTCATCGGAGCGTTGTACGCGGAGGAG[CGCAGCGCCAGCCGCACGAA>C]GCAGCGGGCCCGGGAGTGGGCCAAGGTGTGTGTTGCGAGGAGGGATTGCTGCACCCCAGG-3'

ClinVar aggregate classification (germline): Pathogenic (1 of 4 stars; one submission).

Submission:

GeneDx
Classification: Pathogenic. Last evaluated: 2026-04-07. Review status: criteria provided, single submitter. Criteria: GeneDx Variant Classification Process June 2021. Collection method: clinical testing. Allele origin: germline.
Comment: Frameshift variant predicted to result in protein truncation or nonsense mediated decay in a gene for which loss of function is a known mechanism of disease; Not observed at significant frequency in large population cohorts (gnomAD); Has not been previously published as pathogenic or benign to our knowledge